The following is an entry in ClinVar:

ClinVar aggregate classification (germline): Uncertain significance (1 of 4 stars; one submission).

Conditions:
Amyotrophic lateral sclerosis type 6. Also called: FUS-Related Amyotrophic Laterial Sclerosis; AMYOTROPHIC LATERAL SCLEROSIS 6 WITHOUT FRONTOTEMPORAL DEMENTIA; Amyotrophic lateral sclerosis 6, with or without frontotemporal dementia. Identifiers: Orphanet 275872, Orphanet 803, MedGen C2931786, MONDO:0011951, OMIM 608030.
Tremor, hereditary essential, 4 (ETM4). Identifiers: MedGen C3539195, MONDO:0013888, OMIM 614782.

Allele frequency attached by ClinVar (database versions not stated): gnomAD exomes below 0.00001.

Submission:

Labcorp Genetics (formerly Invitae), Labcorp
Classification: Uncertain significance for Tremor, hereditary essential, 4; Amyotrophic lateral sclerosis type 6. Last evaluated: 2019-02-18. Review status: criteria provided, single submitter. Criteria: Invitae Variant Classification Sherloc (09022015). Collection method: clinical testing. Allele origin: germline.
Comment: This variant, c.493_495del, results in the deletion of 1 amino acid(s) of the FUS protein (p.Ser165del), but otherwise preserves the integrity of the reading frame. Experimental studies and prediction algorithms are not available for this variant, and the functional significance of the affected amino acid(s) is currently unknown. This variant has not been reported in the literature in individuals with FUS-related conditions. This variant is not present in population databases (ExAC no frequency). In summary, the available evidence is currently insufficient to determine the role of this variant in disease. Therefore, it has been classified as a Variant of Uncertain Significance.

NM_004960.4(FUS):c.493_495del (p.Ser165del)

Gene: FUS (FUS RNA binding protein; plus strand). Cytogenetic location: 16p11.2.
Variant type: Deletion.
Coding change: c.493_495del on transcript NM_004960.4 (MANE Select); coding-DNA positions 493 to 495, 3 bases deleted (AGT; older notation c.493_495delAGT).
Protein change: p.Ser165del; deletes serine 165.
Molecular consequence: inframe deletion. On other transcripts: non-coding transcript variant (1).
Genome position (GRCh38, 1-based): chr16:31,184,366-31,184,368, AGT deleted. VCF-style (leftmost placement, unchanged base first): chr16-31184365-CAGT-C. GRCh37 (hg19) VCF-style: chr16-31195686-CAGT-C.
Other names: c.490_492del, p.Ser164del (NM_001170634.1); c.493_495del, p.Ser165del (NM_001170937.1); short protein forms S165del, S164del.
Identifiers: ClinVar variation 850400 (VCV000850400.10), dbSNP rs2079227565, ClinGen allele CA916082430.